The following is an entry in ClinVar:

NM_144666.3(DNHD1):c.4328A>C (p.Asp1443Ala)

Gene: DNHD1 (dynein heavy chain domain 1; plus strand). Cytogenetic location: 11p15.4.
Variant type: single nucleotide variant.
Coding change: c.4328A>C on transcript NM_144666.3 (MANE Select); coding-DNA position 4328, A replaced by C.
Protein change: p.Asp1443Ala; replaces aspartic acid 1443 with alanine.
Molecular consequence: missense variant.
Genome position (GRCh38, 1-based): chr11:6,545,267, A>C. VCF-style: chr11-6545267-A-C. GRCh37 (hg19) VCF-style: chr11-6566497-A-C.
Other names: short protein forms D1443A.
Identifiers: ClinVar variation 1055473 (VCV001055473.9), dbSNP rs1190031618, ClinGen allele CA379415727.

ClinVar aggregate classification (germline): Uncertain significance (1 of 4 stars; one submission).

Allele frequency attached by ClinVar (database versions not stated): gnomAD exomes 0.00001; TOPMed 0.00002.
gnomAD v4.1: 4 of 1,551,664 alleles (0.00026%); highest among the groups gnomAD compares: Middle Eastern, 0.017%; no homozygotes.

Submission:

Labcorp Genetics (formerly Invitae), Labcorp
Classification: Uncertain significance. Last evaluated: 2023-05-04. Review status: criteria provided, single submitter. Criteria: Invitae Variant Classification Sherloc (09022015). Collection method: clinical testing. Allele origin: germline.
Comment: In summary, the available evidence is currently insufficient to determine the role of this variant in disease. Therefore, it has been classified as a Variant of Uncertain Significance. An algorithm developed to predict the effect of missense changes on protein structure and function (PolyPhen-2) suggests that this variant is likely to be disruptive. ClinVar contains an entry for this variant (Variation ID: 1055473). This variant has not been reported in the literature in individuals affected with DNHD1-related conditions. This variant is not present in population databases (gnomAD no frequency). This sequence change replaces aspartic acid, which is acidic and polar, with alanine, which is neutral and non-polar, at codon 1443 of the DNHD1 protein (p.Asp1443Ala).